The following is an entry in ClinVar:

NM_015215.4(CAMTA1):c.4453G>A (p.Glu1485Lys)

Gene: CAMTA1 (calmodulin binding transcription activator 1; plus strand). Cytogenetic location: 1p36.23.
Variant type: single nucleotide variant.
Coding change: c.4453G>A on transcript NM_015215.4 (MANE Select); coding-DNA position 4453, G replaced by A.
Protein change: p.Glu1485Lys; replaces glutamic acid 1485 with lysine.
Molecular consequence: missense variant.
Genome position (GRCh38, 1-based): chr1:7,745,927, G>A. VCF-style: chr1-7745927-G-A. GRCh37 (hg19) VCF-style: chr1-7805987-G-A.
Other names: c.4453G>A (NM_015215.2); c.1186G>A, p.Glu396Lys (NM_001349622.2, NM_001349623.1, NM_001349624.3 and 5 more transcripts); c.4363G>A, p.Glu1455Lys (NM_001349608.2); c.4114G>A, p.Glu1372Lys (NM_001349609.2, NM_001349610.2); c.4024G>A, p.Glu1342Lys (NM_001349612.2); c.1582G>A, p.Glu528Lys (NM_001349613.1); c.1525G>A, p.Glu509Lys (NM_001349614.1, NM_001349615.2, NM_001349616.2 and 2 more transcripts); short protein forms E509K, E1342K, E1485K, E396K, E528K, E1372K, E1455K.
Identifiers: ClinVar variation 930634 (VCV000930634.8), dbSNP rs2096854165, ClinGen allele CA338141220.

ClinVar aggregate classification (germline): Conflicting classifications of pathogenicity. Review status: criteria provided, conflicting classifications (1 of 4 stars). 3 submissions from 3 submitters: Uncertain significance (2); Likely benign (1). Last evaluated 2024-08-14.

Conditions:
Cerebellar dysfunction with variable cognitive and behavioral abnormalities (CECBA). Also called: Nonprogressive cerebellar atxia with intellectual disability. Identifiers: Orphanet 314647, MedGen C3553661, MONDO:0013886, OMIM 614756.
Inborn genetic diseases. Identifiers: MedGen C0950123, MeSH D030342.

Allele frequency attached by ClinVar (database versions not stated): gnomAD exomes below 0.00001; TOPMed below 0.00001.
gnomAD v4.1: 4 of 1,614,112 alleles (0.00025%); highest among the groups gnomAD compares: African/African-American, 0.0013%; no homozygotes.

Submissions (3):

Ambry Genetics
Classification: Uncertain significance for Inborn genetic diseases. Last evaluated: 2024-08-14. Review status: criteria provided, single submitter. Criteria: Ambry Variant Classification Scheme 2023. Collection method: clinical testing. Allele origin: germline.

Labcorp Genetics (formerly Invitae), Labcorp
Classification: Uncertain significance. Last evaluated: 2023-11-27. Review status: criteria provided, single submitter. Criteria: Invitae Variant Classification Sherloc (09022015). Collection method: clinical testing. Allele origin: germline.
Comment: This sequence change replaces glutamic acid, which is acidic and polar, with lysine, which is basic and polar, at codon 1485 of the CAMTA1 protein (p.Glu1485Lys). This variant is not present in population databases (gnomAD no frequency). This variant has not been reported in the literature in individuals affected with CAMTA1-related conditions. ClinVar contains an entry for this variant (Variation ID: 930634). An algorithm developed to predict the effect of missense changes on protein structure and function (PolyPhen-2) suggests that this variant is likely to be disruptive. In summary, the available evidence is currently insufficient to determine the role of this variant in disease. Therefore, it has been classified as a Variant of Uncertain Significance.

Centre for Mendelian Genomics, University Medical Centre Ljubljana
Classification: Likely benign for Cerebellar dysfunction with variable cognitive and behavioral abnormalities. Last evaluated: 2018-10-24. Review status: criteria provided, single submitter. Criteria: ACMG Guidelines, 2015. Collection method: clinical testing. Allele origin: unknown. Affected: yes.
Comment: This variant was classified as: Likely benign. The following ACMG criteria were applied in classifying this variant: PP3,BS1,BS2.